The following is an entry in ClinVar:

ClinVar aggregate classification (germline): Uncertain significance (1 of 4 stars; one submission).

Conditions:
Spastic paraplegia. Identifiers: MedGen C0037772, HP:0001258.

Allele frequency attached by ClinVar (database versions not stated): gnomAD exomes below 0.00001; TOPMed 0.00001.

Submission:

Labcorp Genetics (formerly Invitae), Labcorp
Classification: Uncertain significance for Spastic paraplegia. Last evaluated: 2022-01-31. Review status: criteria provided, single submitter. Criteria: Invitae Variant Classification Sherloc (09022015). Collection method: clinical testing. Allele origin: germline.
Comment: In summary, the available evidence is currently insufficient to determine the role of this variant in disease. Therefore, it has been classified as a Variant of Uncertain Significance. Algorithms developed to predict the effect of missense changes on protein structure and function are either unavailable or do not agree on the potential impact of this missense change (SIFT: "Deleterious"; PolyPhen-2: "Benign"; Align-GVGD: "Class C0"). This variant has not been reported in the literature in individuals affected with GJC2-related conditions. This variant is not present in population databases (gnomAD no frequency). This sequence change replaces alanine, which is neutral and non-polar, with valine, which is neutral and non-polar, at codon 323 of the GJC2 protein (p.Ala323Val).

NM_020435.4(GJC2):c.968C>T (p.Ala323Val)

Gene: GJC2 (gap junction protein gamma 2; plus strand). Cytogenetic location: 1q42.13.
Variant type: single nucleotide variant.
Coding change: c.968C>T on transcript NM_020435.4 (MANE Select); coding-DNA position 968, C replaced by T.
Protein change: p.Ala323Val; replaces alanine 323 with valine.
Molecular consequence: missense variant.
Genome position (GRCh38, 1-based): chr1:228,158,726, C>T. VCF-style: chr1-228158726-C-T. GRCh37 (hg19) VCF-style: chr1-228346427-C-T.
Other names: short protein forms A323V.
Identifiers: ClinVar variation 2077731 (VCV002077731.4), dbSNP rs1422386054, ClinGen allele CA345100171.